The following is an entry in ClinVar:

ClinVar aggregate classification (germline): Likely pathogenic (0 of 4 stars; one submission).

Conditions:
FBXW7-related disorder. Also called: FBXW7-related disorders; FBXW7-related condition.

Submission:

PreventionGenetics, part of Exact Sciences
Classification: Likely pathogenic for FBXW7-related condition. Last evaluated: 2024-02-14. Review status: no assertion criteria provided. Collection method: clinical testing. Allele origin: germline.
Comment: The FBXW7 c.1044_1045delCA variant is predicted to result in a frameshift and premature protein termination (p.His348Glnfs*14). To our knowledge, this variant has not been reported in the literature or in a large population database, indicating this variant is rare. Frameshift variants in FBXW7 are expected to be pathogenic. This variant is interpreted as likely pathogenic.

NM_001349798.2(FBXW7):c.1044_1045del (p.His348fs)

Gene: FBXW7 (F-box and WD repeat domain containing 7; minus strand). Cytogenetic location: 4q31.3.
Variant type: Microsatellite.
Coding change: c.1044_1045del on transcript NM_001349798.2 (MANE Select); coding-DNA positions 1044 to 1045, 2 bases deleted (CA; older notation c.1044_1045delCA).
Protein change: p.His348fs; shifts the reading frame from histidine 348.
Molecular consequence: frameshift variant.
Genome position (GRCh38, 1-based): chr4:152,330,809-152,330,810, TG deleted on the plus strand (CA on the coding strand, the reverse complement: FBXW7 is on the minus strand); deleting any 2 consecutive bases within chr4:152,330,809-152,330,813 gives the same sequence; the c. name uses the placement nearest the transcript's 3' end. VCF-style (leftmost placement, unchanged base first): chr4-152330808-CTG-C. GRCh37 (hg19) VCF-style: chr4-153251960-CTG-C.
Other names: c.690_691del, p.His230fs (NM_001013415.2); c.804_805del, p.His268fs (NM_018315.5); c.1044_1045del, p.His348fs (NM_033632.3); c.1044_1045delCA (NM_033632.3); short protein forms H230fs, H268fs, H348fs.
Identifiers: ClinVar variation 3061317 (VCV003061317.2), dbSNP rs2530218156, ClinGen allele CA2740091578.
Genomic context (GRCh38, chr4:152,330,808, plus strand): 5'-TCTCCTCGCCTCCAGTTAGTATCAATTCTGTGCTGTCTGATGTATGCACTTTTCCATGGA[CTG>C]TGTATGAAACCTGGTTTTATTACTTTTCTTCTCTTGATGTGCAATGGTTCATCAATCCCT-3'